The following is an entry in ClinVar:

ClinVar aggregate classification (germline): Uncertain significance (1 of 4 stars; one submission).

Submission:

GeneDx
Classification: Uncertain significance. Last evaluated: 2022-04-22. Review status: criteria provided, single submitter. Criteria: GeneDx Variant Classification Process June 2021. Collection method: clinical testing. Allele origin: germline. Affected: yes.
Comment: Not observed at significant frequency in large population cohorts (gnomAD); In silico analysis supports that this missense variant has a deleterious effect on protein structure/function; Has not been previously published as pathogenic or benign to our knowledge

NM_003119.4(SPG7):c.1502C>T (p.Ser501Phe)

Gene: SPG7 (SPG7 matrix AAA peptidase subunit, paraplegin; plus strand). Cytogenetic location: 16q24.3.
Variant type: single nucleotide variant.
Coding change: c.1502C>T on transcript NM_003119.4 (MANE Select); coding-DNA position 1502, C replaced by T.
Protein change: p.Ser501Phe; replaces serine 501 with phenylalanine.
Molecular consequence: missense variant.
Genome position (GRCh38, 1-based): chr16:89,546,710, C>T. VCF-style: chr16-89546710-C-T. GRCh37 (hg19) VCF-style: chr16-89613118-C-T.
Other names: c.1502C>T, p.Ser501Phe (NM_001363850.1); short protein forms S501F.
Identifiers: ClinVar variation 1712152 (VCV001712152.2), dbSNP rs2543825753, ClinGen allele CA397426497.
Genomic context (GRCh38, chr16:89,546,710, plus strand): 5'-TCTGGCAGGAGAGGCGGGAGATTTTTGAGCAGCACCTGAAGAGCCTGAAGCTGACCCAGT[C>T]CAGCACCTTTTACTCCCAGCGTCTGGCAGAGCTGACACCAGGATTCAGTGGTACGTTCTC-3'
Protein context (NP_003110.1, residues 491-511): QHLKSLKLTQ[Ser501Phe]STFYSQRLAE